The following is an entry in ClinVar:

NM_000264.5(PTCH1):c.*1132G>A

Gene: PTCH1 (patched 1; minus strand). Cytogenetic location: 9q22.32.
Variant type: single nucleotide variant.
Coding change: c.*1132G>A on transcript NM_000264.5 (MANE Select); 1132 bases downstream of the stop codon, G replaced by A.
Molecular consequence: 3 prime UTR variant. On other transcripts: non-coding transcript variant (1).
Genome position (GRCh38, 1-based): chr9:95,445,261, C>T on the plus strand (G>A on the coding strand, the complement: PTCH1 is on the minus strand). VCF-style: chr9-95445261-C-T. GRCh37 (hg19) VCF-style: chr9-98207543-C-T.
Other names: c.*1132G>A (NM_001083602.3, NM_001083603.3, NM_001083604.3 and 4 more transcripts).
Identifiers: ClinVar variation 914696 (VCV000914696.28), dbSNP rs572803728, ClinGen allele CA196554165.

ClinVar aggregate classification (germline): Conflicting classifications of pathogenicity. Review status: criteria provided, conflicting classifications (1 of 4 stars). 3 submissions from 2 submitters: Uncertain significance (2); Benign (1). Last evaluated 2022-07-01.

Conditions:
Holoprosencephaly 7 (HPE7). Identifiers: Orphanet 2162, MedGen C1835820, MONDO:0012562, OMIM 610828.
Gorlin syndrome. Also called: Nevoid Basal Cell Carcinoma Syndrome; Basal cell nevus syndrome. Identifiers: Orphanet 377, MedGen C0004779, MONDO:0007187.

Allele frequency attached by ClinVar (database versions not stated): TOPMed 0.00077; gnomAD 0.00078 and 0.00083.

Submissions (3):

CeGaT Center for Human Genetics Tuebingen
Classification: Benign. Last evaluated: 2022-07-01. Review status: criteria provided, single submitter. Criteria: CeGaT Center For Human Genetics Tuebingen Variant Classification Criteria Version 2. Collection method: clinical testing. Allele origin: germline. Affected: yes. Observed: 2 variant alleles.
Comment: PTCH1: BS1, BS2

Illumina Laboratory Services, Illumina
Classification: Uncertain significance for Basal cell nevus syndrome 1. Last evaluated: 2018-01-13. Review status: criteria provided, single submitter. Criteria: ICSL Variant Classification Criteria 13 December 2019. Collection method: clinical testing. Allele origin: germline.

Illumina Laboratory Services, Illumina
Classification: Uncertain significance for Holoprosencephaly 7. Last evaluated: 2018-01-13. Review status: criteria provided, single submitter. Criteria: ICSL Variant Classification Criteria 13 December 2019. Collection method: clinical testing. Allele origin: germline.